The following is an entry in ClinVar:

NM_000352.6(ABCC8):c.3448_3449del (p.Val1150fs)

Gene: ABCC8 (ATP binding cassette subfamily C member 8; minus strand). Cytogenetic location: 11p15.1.
Variant type: Microsatellite.
Coding change: c.3448_3449del on transcript NM_000352.6 (MANE Select); coding-DNA positions 3448 to 3449, 2 bases deleted (GT; older notation c.3448_3449delGT).
Protein change: p.Val1150fs; shifts the reading frame from valine 1150.
Molecular consequence: frameshift variant. On other transcripts: non-coding transcript variant (1).
Genome position (GRCh38, 1-based): chr11:17,404,620-17,404,621, AC deleted on the plus strand (GT on the coding strand, the reverse complement: ABCC8 is on the minus strand); deleting any 2 consecutive bases within chr11:17,404,620-17,404,624 gives the same sequence; the c. name uses the placement nearest the transcript's 3' end. VCF-style (leftmost placement, unchanged base first): chr11-17404619-GAC-G. GRCh37 (hg19) VCF-style: chr11-17426166-GAC-G.
Other names: c.3451_3452del, p.Val1151fs (NM_001287174.3); c.3514_3515del, p.Val1172fs (NM_001351295.2); c.3448_3449del, p.Val1150fs (NM_001351296.2); c.3445_3446del, p.Val1149fs (NM_001351297.2); short protein forms V1150fs, V1151fs, V1149fs, V1172fs.
Identifiers: ClinVar variation 550226 (VCV000550226.6), dbSNP rs1263082097, ClinGen allele CA658822176.

ClinVar aggregate classification (germline): Conflicting classifications of pathogenicity. Review status: criteria provided, conflicting classifications (1 of 4 stars). 5 submissions from 4 submitters: Likely pathogenic (2); Uncertain significance (2). 1 of the submissions does not count toward it. Last evaluated 2024-05-05.

Conditions:
Familial hyperinsulinism. Also called: Congenital hyperinsulinism. Identifiers: Orphanet 276525, MedGen C3888018, MONDO:0017182. Disease mechanism: loss of function.
Maturity-onset diabetes of the young (MODY). Also called: Maturity onset diabetes mellitus in young. Identifiers: Orphanet 552, MedGen C0342276, MONDO:0018911, HP:0004904.
Hyperinsulinemic hypoglycemia, familial, 1 (HHF1). Also called: HYPERINSULINISM, FAMILIAL, WITH PANCREATIC NESIDIOBLASTOSIS; HYPOGLYCEMIA, HYPERINSULINEMIC, OF INFANCY; Persistent hyperinsulinemic hypoglycemia of infancy; NESIDIOBLASTOSIS OF PANCREAS; Persistent Hyperinsulinemia Hypoglycemia of Infancy. Identifiers: Orphanet 276575, Orphanet 276598, MedGen C2931832, MONDO:0009734, OMIM 256450.
Diabetes mellitus, transient neonatal, 2 (TNDM2). Identifiers: Orphanet 99886, MedGen C1835887, MONDO:0012480, OMIM 610374. Disease mechanism: loss of function.
Diabetes mellitus, permanent neonatal 3. Also called: ABCC8-Related Permanent Neonatal Diabetes Mellitus. Identifiers: MedGen C5394303, MONDO:0030088, OMIM 618857.
Leucine-induced hypoglycemia (LIH). Also called: LEUCINE-SENSITIVE HYPOGLYCEMIA OF INFANCY. Identifiers: MedGen C0271714, MONDO:0009415, OMIM 240800.
Type 2 diabetes mellitus. Also called: Type II diabetes mellitus. Identifiers: MedGen C0011860, MeSH D003924, MONDO:0005148, OMIM 125853, HP:0005978.
Transitory neonatal diabetes mellitus. Also called: Transient neonatal diabetes mellitus. Identifiers: MedGen C0342273, MONDO:0020525, HP:0008255.

Submissions (5):

Fulgent Genetics
Classification: Likely pathogenic for Type 2 diabetes mellitus; Leucine-induced hypoglycemia; Hyperinsulinemic hypoglycemia, familial, 1; Diabetes mellitus, transient neonatal, 2; Diabetes mellitus, permanent neonatal 3. Last evaluated: 2024-05-05. Review status: criteria provided, single submitter. Criteria: ACMG Guidelines, 2015. Collection method: clinical testing. Allele origin: germline.

Women's Health and Genetics/Laboratory Corporation of America, LabCorp
Classification: Likely pathogenic for Familial hyperinsulinism. Last evaluated: 2021-11-16. Review status: criteria provided, single submitter. Criteria: LabCorp Variant Classification Summary - May 2015. Collection method: clinical testing. Allele origin: germline.
Comment: Variant summary: ABCC8 c.3448_3449delGT (p.Val1150LeufsX43) results in a premature termination codon, predicted to cause a truncation of the encoded protein or absence of the protein due to nonsense mediated decay, which are commonly known mechanisms for disease. Truncations downstream of this position have been classified as pathogenic by our laboratory. The variant was absent in 250674 control chromosomes (gnomAD). To our knowledge, no occurrence of c.3448_3449delGT in individuals affected with Familial Hyperinsulinism and no experimental evidence demonstrating its impact on protein function have been reported. A ClinVar submitter (evaluation after 2014) cites the variant as likely pathogenic. Based on the evidence outlined above, the variant was classified as likely pathogenic.

Clinical Genomics, Uppaluri K&H Personalized Medicine Clinic
Classification: Uncertain significance for Transitory neonatal diabetes mellitus. Review status: criteria provided, single submitter. Criteria: K & H Uppaluri Personalized Medicine Clinic Variant Classification & Assertion Criteria_Updated V.1. Collection method: research. Allele origin: somatic. Inheritance: Somatic mutation.
Comment: Mutations in ABCC8 gene are associated with both neonatal diabetes mellitus as well as MODY. Patients with this mutation may have a better response to sulfonylureas. However, no sufficient evidence is found to ascertain the role of this particular variant (rs1263082097) in neonatal diabetes yet.

Clinical Genomics, Uppaluri K&H Personalized Medicine Clinic
Classification: Uncertain significance for Maturity-onset diabetes of the young. Review status: criteria provided, single submitter. Criteria: K & H Uppaluri Personalized Medicine Clinic Variant Classification & Assertion Criteria_Updated V.1. Collection method: research. Allele origin: somatic. Inheritance: Somatic mutation.
Comment: Mutations in ABCC8 gene are associated with both neonatal diabetes mellitus as well as MODY. Patients with this mutation may have a better response to sulfonylureas. However, no sufficient evidence is found to ascertain the role of this particular variant (rs1263082097) in MODY yet.

Counsyl
Classification: Likely pathogenic for Hyperinsulinemic hypoglycemia, familial, 1. Last evaluated: 2016-12-22. Review status: no assertion criteria provided. Collection method: clinical testing. Allele origin: unknown. Not counted in ClinVar's aggregate classification.

Literature cited by the submitters: PubMed 21989597 (cited by Clinical Genomics, Uppaluri K&H Personalized Medicine Clinic); PubMed 16885549 (cited by Clinical Genomics, Uppaluri K&H Personalized Medicine Clinic); PubMed 27538677 (cited by Clinical Genomics, Uppaluri K&H Personalized Medicine Clinic); PubMed 18981553 (cited by Clinical Genomics, Uppaluri K&H Personalized Medicine Clinic); PubMed 32027066 (cited by Clinical Genomics, Uppaluri K&H Personalized Medicine Clinic); PubMed 16613899 (cited by Clinical Genomics, Uppaluri K&H Personalized Medicine Clinic); PubMed 18025408 (cited by Clinical Genomics, Uppaluri K&H Personalized Medicine Clinic); PubMed 32792356 (cited by Clinical Genomics, Uppaluri K&H Personalized Medicine Clinic).